The following is an entry in ClinVar:

ClinVar aggregate classification (germline): Uncertain significance. Review status: reviewed by expert panel (3 of 4 stars). 2 submissions from 2 submitters: Uncertain significance (1). 1 of the submissions does not count toward it. Last evaluated 2025-05-20.

Conditions:
Primary ciliary dyskinesia. Also called: Ciliary dyskinesia. Identifiers: Orphanet 244, MedGen C0008780, MONDO:0016575, HP:0012265.
RPGR-related retinopathy. Also called: RPGR retinopathy. Identifiers: MedGen CN305589, MONDO:0100437.

Submissions (2):

ClinGen X-linked Inherited Retinal Disease Variant Curation Expert Panel, ClinGen
Classification: Uncertain significance for RPGR-related retinopathy. Last evaluated: 2025-05-20. Review status: reviewed by expert panel. Criteria: ClinGen X LinkedIRD ACMG Specifications RPGR V1.0.0. Collection method: curation. Allele origin: germline. Inheritance: X-linked inheritance.
Comment: NM_001034853.2(RPGR):c.501T>A (p.Asn167Lys) is a missense variant encoding substitution of asparagine with lysine at amino acid 167. This variant is absent from hemizygous individuals in gnomAD v4.1.0 (PM2_Supporting). The computational predictor REVEL gives a score of 0.784, which is between the ClinGen X-linked IRD VCEP thresholds of 0.773 to 0.931 and predicts a damaging effect on RPGR function (PP3_moderate). The computational splicing predictor SpliceAI gives a delta score of 0.00, which is below the ClinGen X-linked IRD VCEP threshold of >0.2 and does not predict that the variant disrupts RPGR splicing. This variant has been reported in at least 1 proband meeting the PS4 requirement of some functional vision impairment in affected males by age 30 years, and/or decreased or absent cone and/or rod electroretinogram / fundus autofluorescence responses (PMID: 28559085). PS4_Supporting requires at least 2 unrelated probands, so this criterion was not met. In summary, this variant is classified as a variant of uncertain significance for RPGR-related retinopathy based on the ClinGen X-linked Inherited Retinal Disease Expert Panel Specifications to the ACMG/AMP Variant Interpretation Guidelines for RPGR Version 1.0.0; PM2_supporting and PP3_moderate. (date of approval 05/16/2025).

Labcorp Genetics (formerly Invitae), Labcorp
Classification: Pathogenic for Primary ciliary dyskinesia. Last evaluated: 2023-03-23. Review status: criteria provided, single submitter. Criteria: Invitae Variant Classification Sherloc (09022015). Collection method: clinical testing. Allele origin: germline. Not counted in ClinVar's aggregate classification.
Comment: This sequence change replaces asparagine, which is neutral and polar, with lysine, which is basic and polar, at codon 167 of the RPGR protein (p.Asn167Lys). This variant is not present in population databases (gnomAD no frequency). This missense change has been observed in individuals with retinitis pigmentosa (PMID: 28559085; Invitae). It has also been observed to segregate with disease in related individuals. ClinVar contains an entry for this variant (Variation ID: 1497214). Advanced modeling of protein sequence and biophysical properties (such as structural, functional, and spatial information, amino acid conservation, physicochemical variation, residue mobility, and thermodynamic stability) performed at Invitae indicates that this missense variant is expected to disrupt RPGR protein function. For these reasons, this variant has been classified as Pathogenic.

Literature cited by the submitters: PubMed 28559085 (cited by Labcorp Genetics (formerly Invitae), Labcorp).

NM_001034853.2(RPGR):c.501T>A (p.Asn167Lys)

Gene: RPGR (retinitis pigmentosa GTPase regulator; minus strand). Cytogenetic location: Xp11.4.
Variant type: single nucleotide variant.
Coding change: c.501T>A on transcript NM_001034853.2 (MANE Select); coding-DNA position 501, T replaced by A.
Protein change: p.Asn167Lys; replaces asparagine 167 with lysine.
Molecular consequence: missense variant. On other transcripts: non-coding transcript variant (6).
Genome position (GRCh38, 1-based): chrX:38,317,434, A>T on the plus strand (T>A on the coding strand, the complement: RPGR is on the minus strand). VCF-style: chrX-38317434-A-T. GRCh37 (hg19) VCF-style: chrX-38176687-A-T.
Other names: NM_001034853.2(RPGR):c.501T>A; p.Asn167Lys; c.501T>A, p.Asn167Lys (NM_000328.3, NM_001367245.1, NM_001367246.1 and 3 more transcripts); c.531T>A, p.Asn177Lys (NM_001367248.1); c.498T>A, p.Asn166Lys (NM_001367249.1); short protein forms N177K, N166K, N167K.
Identifiers: ClinVar variation 1497214 (VCV001497214.6), dbSNP rs2147276925, ClinGen allele CA412744898.